The following is an entry in ClinVar:

NM_004364.5(CEBPA):c.496G>A (p.Glu166Lys)

Gene: CEBPA (CCAAT enhancer binding protein alpha; minus strand). Cytogenetic location: 19q13.11.
Variant type: single nucleotide variant.
Coding change: c.496G>A on transcript NM_004364.5 (MANE Select); coding-DNA position 496, G replaced by A.
Protein change: p.Glu166Lys; replaces glutamic acid 166 with lysine.
Molecular consequence: missense variant.
Genome position (GRCh38, 1-based): chr19:33,301,919, C>T on the plus strand (G>A on the coding strand, the complement: CEBPA is on the minus strand). VCF-style: chr19-33301919-C-T. GRCh37 (hg19) VCF-style: chr19-33792825-C-T.
Other names: c.139G>A, p.Glu47Lys (NM_001285829.2); c.601G>A, p.Glu201Lys (NM_001287424.2); c.454G>A, p.Glu152Lys (NM_001287435.2); short protein forms E166K, E152K, E47K, E201K.
Identifiers: ClinVar variation 861219 (VCV000861219.15), dbSNP rs755311871, ClinGen allele CA9363711.

ClinVar aggregate classification (germline): Conflicting classifications of pathogenicity. Review status: criteria provided, conflicting classifications (1 of 4 stars). 4 submissions from 4 submitters: Uncertain significance (3); Likely benign (1). Last evaluated 2025-09-28.

Conditions:
Inborn genetic diseases. Identifiers: MedGen C0950123, MeSH D030342.
Acute myeloid leukemia (AML). Also called: Acute myeloid leukemia, adult; AML adult; Acute non-lymphocytic leukemia; Acute granulocytic leukemia; Leukemia, acute myeloid, somatic; Leukemia, acute myelogenous, somatic. Identifiers: Orphanet 519, MedGen C0023467, MeSH D015470, MONDO:0018874, OMIM 601626, HP:0004808. Disease mechanism: Constitutively activated FLT3.

Allele frequency attached by ClinVar (database versions not stated): gnomAD 0.00001; TOPMed 0.00002; ExAC 0.00023.
gnomAD v4.1: 15 of 1,223,186 alleles (0.0012%); highest among the groups gnomAD compares: Non-Finnish European, 0.0015%; no homozygotes.

Submissions (4):

Labcorp Genetics (formerly Invitae), Labcorp
Classification: Uncertain significance for Acute myeloid leukemia. Last evaluated: 2025-09-28. Review status: criteria provided, single submitter. Criteria: Invitae Variant Classification Sherloc (09022015). Collection method: clinical testing. Allele origin: germline.
Comment: This sequence change replaces glutamic acid, which is acidic and polar, with lysine, which is basic and polar, at codon 166 of the CEBPA protein (p.Glu166Lys). The frequency data for this variant in the population databases is considered unreliable, as metrics indicate poor data quality at this position in the gnomAD database. This variant has not been reported in the literature in individuals affected with CEBPA-related conditions. ClinVar contains an entry for this variant (Variation ID: 861219). Invitae Evidence Modeling of protein sequence and biophysical properties (such as structural, functional, and spatial information, amino acid conservation, physicochemical variation, residue mobility, and thermodynamic stability) indicates that this missense variant is not expected to disrupt CEBPA protein function with a negative predictive value of 80%. In summary, the available evidence is currently insufficient to determine the role of this variant in disease. Therefore, it has been classified as a Variant of Uncertain Significance.

Ambry Genetics
Classification: Likely benign for Inborn genetic diseases. Last evaluated: 2025-03-05. Review status: criteria provided, single submitter. Criteria: Ambry Variant Classification Scheme 2023. Collection method: clinical testing. Allele origin: germline.

Baylor Genetics
Classification: Uncertain significance for Acute myeloid leukemia. Last evaluated: 2024-03-19. Review status: criteria provided, single submitter. Criteria: ACMG Guidelines, 2015. Collection method: clinical testing. Allele origin: unknown.

GeneDx
Classification: Uncertain significance. Last evaluated: 2023-12-01. Review status: criteria provided, single submitter. Criteria: GeneDx Variant Classification Process June 2021. Collection method: clinical testing. Allele origin: germline. Affected: yes.
Comment: Not observed at significant frequency in large population cohorts (gnomAD); In silico analysis supports that this missense variant does not alter protein structure/function; Has not been previously published as pathogenic or benign to our knowledge; This variant is associated with the following publications: (PMID: 21455213)